The following is an entry in ClinVar:

NM_001372044.2(SHANK3):c.708C>T (p.Asn236=)

Gene: SHANK3 (SH3 and multiple ankyrin repeat domains 3; plus strand). Cytogenetic location: 22q13.33.
Variant type: single nucleotide variant.
Coding change: c.708C>T on transcript NM_001372044.2 (MANE Select); coding-DNA position 708, C replaced by T.
Protein change: p.Asn236=; no amino-acid change (asparagine 236 retained).
Molecular consequence: synonymous variant.
Genome position (GRCh38, 1-based): chr22:50,678,803, C>T. VCF-style: chr22-50678803-C-T. GRCh37 (hg19) VCF-style: chr22-51117231-C-T.
Other names: c.483C>T, p.Asn161= (NM_033517.1).
Identifiers: ClinVar variation 589158 (VCV000589158.31), dbSNP rs79762996, ClinGen allele CA10325248.

ClinVar aggregate classification (germline): Benign/Likely benign. Review status: criteria provided, multiple submitters, no conflicts (2 of 4 stars). 3 submissions from 3 submitters: Benign (1); Likely benign (2). Last evaluated 2023-04-01.

Conditions:
Inborn genetic diseases. Identifiers: MedGen C0950123, MeSH D030342.

Allele frequency attached by ClinVar (database versions not stated): gnomAD 0.00045 and 0.00066; gnomAD exomes 0.00060 and 0.00117; TOPMed 0.00082; ExAC 0.00128; 1000 Genomes Project 30x 0.00297; 1000 Genomes Project 0.00319.

Submissions (3):

CeGaT Center for Human Genetics Tuebingen
Classification: Likely benign. Last evaluated: 2023-04-01. Review status: criteria provided, single submitter. Criteria: CeGaT Center For Human Genetics Tuebingen Variant Classification Criteria Version 2. Collection method: clinical testing. Allele origin: germline. Affected: yes. Observed: 1 variant allele.
Comment: SHANK3: BP4, BP7, BS1

GeneDx
Classification: Benign. Last evaluated: 2020-06-15. Review status: criteria provided, single submitter. Criteria: GeneDx Variant Classification Process June 2021. Collection method: clinical testing. Allele origin: germline. Affected: yes.

Ambry Genetics
Classification: Likely benign for Inborn genetic diseases. Last evaluated: 2017-05-28. Review status: criteria provided, single submitter. Criteria: Ambry Variant Classification Scheme 2023. Collection method: clinical testing. Allele origin: germline.